The following is an entry in ClinVar:

ClinVar aggregate classification (germline): Benign. Review status: criteria provided, multiple submitters, no conflicts (2 of 4 stars). 9 submissions from 9 submitters: Benign (6). 3 of the submissions do not count toward it. Last evaluated 2026-02-03.

Conditions:
Cardiovascular phenotype. Identifiers: MedGen CN230736.
Cardiomyopathy (CMYO). Also called: Cardiomyopathies. Identifiers: Orphanet 167848, MedGen C0878544, MONDO:0004994, HP:0001638. Inheritance: Various modes of inheritance.
Hypertrophic cardiomyopathy 14. Identifiers: MedGen C2750467, MONDO:0013197, OMIM 613251.

Allele frequency attached by ClinVar (database versions not stated): TOPMed 0.02965; 1000 Genomes Project 0.03115; gnomAD exomes 0.00825; ExAC 0.00973; gnomAD 0.02556 and 0.02711; ESP Exome Variant Server 0.02952; 1000 Genomes Project 30x 0.03513.
gnomAD v4.1: 8,635 of 1,611,546 alleles (0.54%); highest among the groups gnomAD compares: African/African-American, 8.7%; 314 homozygotes.

Submissions (9):

Labcorp Genetics (formerly Invitae), Labcorp
Classification: Benign for Hypertrophic cardiomyopathy 14. Last evaluated: 2026-02-03. Review status: criteria provided, single submitter. Criteria: Invitae Variant Classification Sherloc (09022015). Collection method: clinical testing. Allele origin: germline.

GeneDx
Classification: Benign. Last evaluated: 2016-10-25. Review status: criteria provided, single submitter. Criteria: GeneDx Variant Classification (06012015). Collection method: clinical testing. Allele origin: germline. Affected: yes.
Comment: This variant is considered likely benign or benign based on one or more of the following criteria: it is a conservative change, it occurs at a poorly conserved position in the protein, it is predicted to be benign by multiple in silico algorithms, and/or has population frequency not consistent with disease.

CHEO Genetics Diagnostic Laboratory, Children's Hospital of Eastern Ontario
Classification: Benign for Cardiomyopathy. Last evaluated: 2016-04-06. Review status: criteria provided, single submitter. Criteria: ACMG Guidelines, 2015. Collection method: clinical testing. Allele origin: germline. Study: Canadian Open Genetics Repository.

Ambry Genetics
Classification: Benign for Cardiovascular phenotype. Last evaluated: 2015-08-04. Review status: criteria provided, single submitter. Criteria: Ambry Variant Classification Scheme 2023. Collection method: clinical testing. Allele origin: germline.

Laboratory for Molecular Medicine, Mass General Brigham Personalized Medicine
Classification: Benign. Last evaluated: 2012-05-31. Review status: criteria provided, single submitter. Criteria: LMM Criteria. Collection method: clinical testing. Allele origin: germline. Observed: 52 variant alleles.
Comment: 8.7% (324/3738) of Afr Amer chrom in ESP.

Breakthrough Genomics
Classification: Benign. Review status: criteria provided, single submitter. Criteria: ACMG Guidelines, 2015. Collection method: not provided. Allele origin: germline. Inheritance: Autosomal dominant inheritance. Affected: yes.

Clinical Genetics DNA and cytogenetics Diagnostics Lab, Erasmus MC, Erasmus Medical Center
Classification: Benign. Review status: no assertion criteria provided. Collection method: clinical testing. Allele origin: germline. Affected: yes. Study: VKGL Data-share Consensus. Not counted in ClinVar's aggregate classification.

Clinical Genetics, Academic Medical Center
Classification: Benign. Review status: no assertion criteria provided. Collection method: clinical testing. Allele origin: germline. Affected: yes. Study: VKGL Data-share Consensus. Not counted in ClinVar's aggregate classification.

Joint Genome Diagnostic Labs from Nijmegen and Maastricht, Radboudumc and MUMC+
Classification: Benign. Review status: no assertion criteria provided. Collection method: clinical testing. Allele origin: germline. Affected: yes. Study: VKGL Data-share Consensus. Not counted in ClinVar's aggregate classification.

NM_002471.4(MYH6):c.909G>A (p.Leu303=)

Gene: MYH6 (myosin heavy chain 6; minus strand). Cytogenetic location: 14q11.2.
Variant type: single nucleotide variant.
Coding change: c.909G>A on transcript NM_002471.4 (MANE Select); coding-DNA position 909, G replaced by A.
Protein change: p.Leu303=; no amino-acid change (leucine 303 retained).
Molecular consequence: synonymous variant.
Genome position (GRCh38, 1-based): chr14:23,402,790, C>T on the plus strand (G>A on the coding strand, the complement: MYH6 is on the minus strand). VCF-style: chr14-23402790-C-T. GRCh37 (hg19) VCF-style: chr14-23871999-C-T.
Identifiers: ClinVar variation 44546 (VCV000044546.26), dbSNP rs17091623, ClinGen allele CA134499.